The following is an entry in ClinVar:

ClinVar aggregate classification (germline): Likely benign. Review status: criteria provided, multiple submitters, no conflicts (2 of 4 stars). 3 submissions from 3 submitters: Likely benign (3). Last evaluated 2026-01-26.

Conditions:
Familial thoracic aortic aneurysm and aortic dissection (TAAD). Also called: Thoracic aortic aneurysms and dissections. Identifiers: Orphanet 91387, MedGen C4707243, MONDO:0019625.
Frontometaphyseal dysplasia (FMD1). Identifiers: Orphanet 1826, MedGen C0265293, MONDO:0015942.
Heterotopia, periventricular, X-linked dominant (PVNH1). Also called: PERIVENTRICULAR NODULAR HETEROTOPIA 1; PERIVENTRICULAR NODULAR HETEROTOPIA 4; HETEROTOPIA, PERIVENTRICULAR, 1; X-linked periventricular heterotopia. Identifiers: Orphanet 2149, Orphanet 82004, MedGen C1848213, MONDO:0010233, OMIM 300049.
Melnick-Needles syndrome (MNS). Also called: OSTEODYSPLASTY OF MELNICK AND NEEDLES; Melnick-Needles Syndrome (FLNA-MNS); MELNICK-NEEDLES OSTEODYSPLASTY. Identifiers: Orphanet 2484, MedGen C0025237, MONDO:0010650, OMIM 309350.
Oto-palato-digital syndrome, type II (OPD2). Also called: Otopalatodigital Syndrome Type 2 (FLNA-OPD2); FACIOPALATOOSSEOUS SYNDROME; OPD II SYNDROME; Otopalatodigital Syndrome, Type II. Identifiers: Orphanet 669, Orphanet 90652, MedGen C1844696, MONDO:0010571, OMIM 304120.
FLNA-related disorder.

Allele frequency attached by ClinVar (database versions not stated): gnomAD 0.00001 and 0.00005; gnomAD exomes 0.00001 and 0.00003.
gnomAD v4.1: 30 of 1,209,162 alleles (0.0025%); highest among the groups gnomAD compares: Non-Finnish European, 0.0017%; no homozygotes.

Submissions (3):

Labcorp Genetics (formerly Invitae), Labcorp
Classification: Likely benign for Oto-palato-digital syndrome, type II; Heterotopia, periventricular, X-linked dominant; Frontometaphyseal dysplasia; Melnick-Needles syndrome. Last evaluated: 2026-01-26. Review status: criteria provided, single submitter. Criteria: Invitae Variant Classification Sherloc (09022015). Collection method: clinical testing. Allele origin: germline.

Ambry Genetics
Classification: Likely benign for Familial thoracic aortic aneurysm and aortic dissection. Last evaluated: 2025-12-01. Review status: criteria provided, single submitter. Criteria: Ambry Variant Classification Scheme 2023. Collection method: clinical testing. Allele origin: germline.

PreventionGenetics, part of Exact Sciences
Classification: Likely benign for FLNA-related condition. Last evaluated: 2025-02-08. Review status: criteria provided, single submitter. Criteria: ACMG Guidelines, 2015. Collection method: clinical testing. Allele origin: germline.
Comment: This variant is classified as likely benign based on ACMG/AMP sequence variant interpretation guidelines (Richards et al. 2015 PMID: 25741868, with internal and published modifications).

NM_001110556.2(FLNA):c.3929A>G (p.Gln1310Arg)

Gene: FLNA (filamin A; minus strand). Cytogenetic location: Xq28.
Variant type: single nucleotide variant.
Coding change: c.3929A>G on transcript NM_001110556.2 (MANE Select); coding-DNA position 3929, A replaced by G.
Protein change: p.Gln1310Arg; replaces glutamine 1310 with arginine.
Molecular consequence: missense variant.
Genome position (GRCh38, 1-based): chrX:154,359,782, T>C on the plus strand (A>G on the coding strand, the complement: FLNA is on the minus strand). VCF-style: chrX-154359782-T-C. GRCh37 (hg19) VCF-style: chrX-153588150-T-C.
Other names: c.3929A>G (NM_001110556.1); c.3929A>G, p.Gln1310Arg (NM_001456.4); short protein forms Q1310R.
Identifiers: ClinVar variation 639803 (VCV000639803.12), dbSNP rs1557177601, ClinGen allele CA415221727.